The following is an entry in ClinVar:

ClinVar aggregate classification (germline): Uncertain significance. Review status: criteria provided, multiple submitters, no conflicts (2 of 4 stars). 2 submissions from 2 submitters: Uncertain significance (2). Last evaluated 2023-04-06.

Conditions:
Long QT syndrome (LQTS). Identifiers: MedGen C0023976, MeSH D008133, MONDO:0002442. Disease mechanism: loss of function. Inheritance: Various modes of inheritance.

Submissions (2):

Labcorp Genetics (formerly Invitae), Labcorp
Classification: Uncertain significance for Long QT syndrome. Last evaluated: 2023-04-06. Review status: criteria provided, single submitter. Criteria: Invitae Variant Classification Sherloc (09022015). Collection method: clinical testing. Allele origin: germline.
Comment: This sequence change replaces aspartic acid, which is acidic and polar, with histidine, which is basic and polar, at codon 1239 of the AKAP9 protein (p.Asp1239His). This variant is not present in population databases (gnomAD no frequency). In summary, the available evidence is currently insufficient to determine the role of this variant in disease. Therefore, it has been classified as a Variant of Uncertain Significance. An algorithm developed to predict the effect of missense changes on protein structure and function (PolyPhen-2) suggests that this variant is likely to be tolerated. This variant has not been reported in the literature in individuals affected with AKAP9-related conditions.

Blueprint Genetics
Classification: Uncertain significance. Last evaluated: 2020-04-06. Review status: criteria provided, single submitter. Criteria: ACMG Guidelines, 2015. Collection method: clinical testing. Allele origin: germline.

NM_005751.5(AKAP9):c.3715G>C (p.Asp1239His)

Gene: AKAP9 (A-kinase anchoring protein 9; plus strand). Cytogenetic location: 7q21.2.
Variant type: single nucleotide variant.
Coding change: c.3715G>C on transcript NM_005751.5 (MANE Select); coding-DNA position 3715, G replaced by C.
Protein change: p.Asp1239His; replaces aspartic acid 1239 with histidine.
Molecular consequence: missense variant.
Genome position (GRCh38, 1-based): chr7:92,016,231, G>C. VCF-style: chr7-92016231-G-C. GRCh37 (hg19) VCF-style: chr7-91645545-G-C.
Other names: c.3715G>C, p.Asp1239His (NM_147185.3); short protein forms D1239H.
Identifiers: ClinVar variation 2981051 (VCV002981051.4), dbSNP rs758832151, ClinGen allele CA368127062.
Genomic context (GRCh38, chr7:92,016,231, plus strand): 5'-AAATGTGAAGTAAATGCAGAAGACAAAGAGAATTCTGGTGATTACATTTCTGAAAATGAA[G>C]ATCCAGAATTACAAGATTATAGATATGAAGTTCAAGGTAATAAAAGCTTACCATACTATT-3'
Protein context (NP_005742.4, residues 1229-1249): NSGDYISENE[Asp1239His]PELQDYRYEV